The following is an entry in ClinVar:

ClinVar aggregate classification (germline): Uncertain significance (1 of 4 stars; one submission).

gnomAD v4.1: 2 of 1,602,866 alleles (0.00012%); highest among the groups gnomAD compares: Admixed American, 0.0017%; no homozygotes.

Submission:

Labcorp Genetics (formerly Invitae), Labcorp
Classification: Uncertain significance. Last evaluated: 2023-06-20. Review status: criteria provided, single submitter. Criteria: Invitae Variant Classification Sherloc (09022015). Collection method: clinical testing. Allele origin: germline.
Comment: This sequence change replaces glycine, which is neutral and non-polar, with valine, which is neutral and non-polar, at codon 939 of the STAG1 protein (p.Gly939Val). This variant is present in population databases (rs745946457, gnomAD 0.003%). This variant has not been reported in the literature in individuals affected with STAG1-related conditions. Advanced modeling of protein sequence and biophysical properties (such as structural, functional, and spatial information, amino acid conservation, physicochemical variation, residue mobility, and thermodynamic stability) performed at Invitae indicates that this missense variant is not expected to disrupt STAG1 protein function. In summary, the available evidence is currently insufficient to determine the role of this variant in disease. Therefore, it has been classified as a Variant of Uncertain Significance.

NM_005862.3(STAG1):c.2816G>T (p.Gly939Val)

Gene: STAG1 (STAG1 cohesin complex component; minus strand). Cytogenetic location: 3q22.3.
Variant type: single nucleotide variant.
Coding change: c.2816G>T on transcript NM_005862.3 (MANE Select); coding-DNA position 2816, G replaced by T.
Protein change: p.Gly939Val; replaces glycine 939 with valine.
Molecular consequence: missense variant.
Genome position (GRCh38, 1-based): chr3:136,359,268, C>A on the plus strand (G>T on the coding strand, the complement: STAG1 is on the minus strand). VCF-style: chr3-136359268-C-A. GRCh37 (hg19) VCF-style: chr3-136078110-C-A.
Other names: short protein forms G939V.
Identifiers: ClinVar variation 2789194 (VCV002789194.3), dbSNP rs745946457, ClinGen allele CA2632498.